The following is an entry in ClinVar:

ClinVar aggregate classification (germline): Likely pathogenic. Review status: criteria provided, multiple submitters, no conflicts (2 of 4 stars). 2 submissions from 2 submitters: Likely pathogenic (2). Last evaluated 2025-09-18.

Conditions:
GALNS-related disorders.
Mucopolysaccharidosis, MPS-IV-A (MPS4A). Also called: GALACTOSAMINE-6-SULFATASE DEFICIENCY; GALNS DEFICIENCY; mucopolysaccharidosis type 4A; Morquio syndrome A, mild; Mucopolysaccharidosis Type IVA; MPS IVA. Identifiers: Orphanet 309297, Orphanet 582, MedGen C0086651, MONDO:0009659, OMIM 253000.

gnomAD v4.1: 1 of 1,613,132 alleles (0.000062%); highest among the groups gnomAD compares: Non-Finnish European, 0.000085%; no homozygotes.

Submissions (2):

Labcorp Genetics (formerly Invitae), Labcorp
Classification: Likely pathogenic for Mucopolysaccharidosis, MPS-IV-A. Last evaluated: 2025-09-18. Review status: criteria provided, single submitter. Criteria: Invitae Variant Classification Sherloc (09022015). Collection method: clinical testing. Allele origin: germline.
Comment: This sequence change replaces arginine, which is basic and polar, with glycine, which is neutral and non-polar, at codon 61 of the GALNS protein (p.Arg61Gly). This variant is not present in population databases (gnomAD no frequency). This variant has not been reported in the literature in individuals affected with GALNS-related conditions. ClinVar contains an entry for this variant (Variation ID: 1362962). Invitae Evidence Modeling of protein sequence and biophysical properties (such as structural, functional, and spatial information, amino acid conservation, physicochemical variation, residue mobility, and thermodynamic stability) indicates that this missense variant is expected to disrupt GALNS protein function with a positive predictive value of 95%. This variant disrupts the p.Arg61 amino acid residue in GALNS. Other variant(s) that disrupt this residue have been determined to be pathogenic (PMID: 23876334, 30797135). This suggests that this residue is clinically significant, and that variants that disrupt this residue are likely to be disease-causing. In summary, the currently available evidence indicates that the variant is pathogenic, but additional data are needed to prove that conclusively. Therefore, this variant has been classified as Likely Pathogenic.

Blueprint Genetics
Classification: Likely pathogenic for GALNS-related disorders. Last evaluated: 2019-03-01. Review status: criteria provided, single submitter. Criteria: ACMG Guidelines, 2015. Collection method: clinical testing. Allele origin: germline. Affected: yes. Observed: 1 variant allele.

Literature cited by the submitters: PubMed 23876334 (cited by Labcorp Genetics (formerly Invitae), Labcorp); PubMed 30797135 (cited by Labcorp Genetics (formerly Invitae), Labcorp).

NM_000512.5(GALNS):c.181C>G (p.Arg61Gly)

Gene: GALNS (galactosamine (N-acetyl)-6-sulfatase; minus strand). Cytogenetic location: 16q24.3.
Variant type: single nucleotide variant.
Coding change: c.181C>G on transcript NM_000512.5 (MANE Select); coding-DNA position 181, C replaced by G.
Protein change: p.Arg61Gly; replaces arginine 61 with glycine.
Molecular consequence: missense variant. On other transcripts: intron variant (1).
Genome position (GRCh38, 1-based): chr16:88,842,769, G>C on the plus strand (C>G on the coding strand, the complement: GALNS is on the minus strand). VCF-style: chr16-88842769-G-C. GRCh37 (hg19) VCF-style: chr16-88909177-G-C.
Other names: c.199C>G, p.Arg67Gly (NM_001323544.2); c.-311-798C>G (NM_001323543.2); short protein forms R67G, R61G.
Identifiers: ClinVar variation 1362962 (VCV001362962.9), dbSNP rs145798311, ClinGen allele CA397091698.